The following is an entry in ClinVar:

ClinVar aggregate classification (germline): Uncertain significance. Review status: criteria provided, multiple submitters, no conflicts (2 of 4 stars). 6 submissions from 6 submitters: Uncertain significance (6). Last evaluated 2026-09-14.

Conditions:
CHEK2-related disorder.
Hereditary cancer-predisposing syndrome. Also called: Tumor predisposition; Hereditary Cancer Syndrome; Hereditary neoplastic syndrome; Neoplastic Syndromes, Hereditary. Identifiers: Orphanet 140162, MedGen C0027672, MeSH D009386, MONDO:0015356.
Familial cancer of breast. Also called: Hereditary breast cancer; hereditary breast carcinoma; BREAST CANCER, FAMILIAL. Identifiers: Orphanet 227535, MedGen C0346153, MONDO:0016419, OMIM 114480. Disease mechanism: loss of function.
CHEK2-related cancer predisposition (TPDS4). Also called: TUMOR PREDISPOSITION SYNDROME 4; CANCER PREDISPOSITION SYNDROME, CHEK2-RELATED; CHEK2-related cancer susceptibility. Identifiers: Orphanet 524, MedGen C5882668, MONDO:0700271, OMIM 609265.

Allele frequency attached by ClinVar (database versions not stated): TOPMed below 0.00001; ExAC 0.00001; gnomAD exomes below 0.00001.
gnomAD v4.1: 2 of 1,595,964 alleles (0.00013%); highest among the groups gnomAD compares: Non-Finnish European, 0.00017%; no homozygotes.

Submissions (6):

Hema, HEMA – Genetic and Molecular Diagnostic Laboratory
Classification: Uncertain significance for CHEK2-related cancer predisposition. Last evaluated: 2026-09-14. Review status: criteria provided, single submitter. Criteria: HEMA Variant Classification Assertion Criteria. Collection method: clinical testing. Allele origin: germline.
Comment: The variant NM_007194.4:c.1406T>C (p.Val469Ala) is a transition from adenine to guanine resulting in the substitution of valine 469 with alanine. PM2_Supporting: Absent in gnomAD.

Labcorp Genetics (formerly Invitae), Labcorp
Classification: Uncertain significance for Familial cancer of breast. Last evaluated: 2025-11-18. Review status: criteria provided, single submitter. Criteria: Invitae Variant Classification Sherloc (09022015). Collection method: clinical testing. Allele origin: germline.
Comment: This sequence change replaces valine, which is neutral and non-polar, with alanine, which is neutral and non-polar, at codon 469 of the CHEK2 protein (p.Val469Ala). This variant is present in population databases (rs763344790, gnomAD 0.0009%). This variant has not been reported in the literature in individuals affected with CHEK2-related conditions. ClinVar contains an entry for this variant (Variation ID: 449667). An algorithm developed to predict the effect of missense changes on protein structure and function (PolyPhen-2) suggests that this variant is likely to be disruptive. In summary, the available evidence is currently insufficient to determine the role of this variant in disease. Therefore, it has been classified as a Variant of Uncertain Significance.

Ambry Genetics
Classification: Uncertain significance for Hereditary cancer-predisposing syndrome. Last evaluated: 2024-10-29. Review status: criteria provided, single submitter. Criteria: Ambry Variant Classification Scheme 2023. Collection method: clinical testing. Allele origin: germline.
Comment: The p.V469A variant (also known as c.1406T>C), located in coding exon 12 of the CHEK2 gene, results from a T to C substitution at nucleotide position 1406. The valine at codon 469 is replaced by alanine, an amino acid with similar properties. This amino acid position is highly conserved in available vertebrate species. In addition, the in silico prediction for this alteration is inconclusive. Based on the available evidence, the clinical significance of this variant remains unclear.

GeneDx
Classification: Uncertain significance. Last evaluated: 2024-06-24. Review status: criteria provided, single submitter. Criteria: GeneDx Variant Classification Process June 2021. Collection method: clinical testing. Allele origin: germline. Affected: yes.
Comment: Not observed at significant frequency in large population cohorts (gnomAD); In silico analysis supports that this missense variant has a deleterious effect on protein structure/function; Has not been previously published as pathogenic or benign to our knowledge; This variant is associated with the following publications: (PMID: 22419737, 19782031)

Color Diagnostics, LLC DBA Color Health
Classification: Uncertain significance for Hereditary cancer-predisposing syndrome. Last evaluated: 2024-03-06. Review status: criteria provided, single submitter. Criteria: ACMG Guidelines, 2015. Collection method: clinical testing. Allele origin: germline.
Comment: This missense variant replaces valine with alanine at codon 469 of the CHEK2 protein. Computational prediction suggests that this variant may not impact protein structure and function (internally defined REVEL score threshold <= 0.5, PMID: 27666373). To our knowledge, functional studies have not been reported for this variant. This variant has not been reported in individuals affected with CHEK2-related disorders in the literature. This variant has been identified in 1/233776 chromosomes in the general population by the Genome Aggregation Database (gnomAD). The available evidence is insufficient to determine the role of this variant in disease conclusively. Therefore, this variant is classified as a Variant of Uncertain Significance.

PreventionGenetics, part of Exact Sciences
Classification: Uncertain significance for CHEK2-related condition. Last evaluated: 2023-02-24. Review status: criteria provided, single submitter. Criteria: ACMG Guidelines, 2015. Collection method: clinical testing. Allele origin: germline.
Comment: The CHEK2 c.1406T>C variant is predicted to result in the amino acid substitution p.Val469Ala. To our knowledge, this variant has not been reported in the literature. This variant is reported in 1 of ~234,000 alleles in gnomAD. At this time, the clinical significance of this variant is uncertain due to the absence of conclusive functional and genetic evidence.

NM_007194.4(CHEK2):c.1406T>C (p.Val469Ala)

Gene: CHEK2 (checkpoint kinase 2; minus strand). Cytogenetic location: 22q12.1.
Variant type: single nucleotide variant.
Coding change: c.1406T>C on transcript NM_007194.4 (MANE Select); coding-DNA position 1406, T replaced by C.
Protein change: p.Val469Ala; replaces valine 469 with alanine.
Molecular consequence: missense variant.
Genome position (GRCh38, 1-based): chr22:28,694,087, A>G on the plus strand (T>C on the coding strand, the complement: CHEK2 is on the minus strand). VCF-style: chr22-28694087-A-G. GRCh37 (hg19) VCF-style: chr22-29090075-A-G.
Other names: c.1535T>C, p.Val512Ala (NM_001005735.3); c.743T>C, p.Val248Ala (NM_001257387.3); c.1205T>C, p.Val402Ala (NM_001349956.3); c.1319T>C, p.Val440Ala (NM_145862.3); short protein forms V469A, V402A, V440A, V512A, V248A.
Identifiers: ClinVar variation 449667 (VCV000449667.25), dbSNP rs763344790, ClinGen allele CA10167657.